The following is an entry in ClinVar:

NM_000059.4(BRCA2):c.6611dup (p.Val2205fs)

Gene: BRCA2 (BRCA2 DNA repair associated; plus strand). Cytogenetic location: 13q13.1.
Variant type: Duplication.
Coding change: c.6611dup on transcript NM_000059.4 (MANE Select); coding-DNA position 6611, one base duplicated (C; older notation c.6611dupC).
Protein change: p.Val2205fs; shifts the reading frame from valine 2205.
Molecular consequence: frameshift variant.
Genome position (GRCh38, 1-based): chr13:32,340,966, C duplicated; the last of 2 consecutive C bases (chr13:32,340,965-32,340,966); duplicating either gives the same sequence. VCF-style (leftmost placement, unchanged base first): chr13-32340964-T-TC. GRCh37 (hg19) VCF-style: chr13-32915101-T-TC.
Other names: c.6611dupC (NM_000059.3); short protein forms V2205fs.
Identifiers: ClinVar variation 440424 (VCV000440424.4), dbSNP rs1135401915, ClinGen allele CA645372980.

ClinVar aggregate classification (germline): Pathogenic. Review status: reviewed by expert panel (3 of 4 stars). 3 submissions from 3 submitters: Pathogenic (1). 2 of the submissions do not count toward it. Last evaluated 2017-12-15.

Conditions:
Breast-ovarian cancer, familial, susceptibility to, 2 (BROVCA2). Also called: BRCA2 Hereditary Breast and Ovarian Cancer. Identifiers: Orphanet 145, MedGen C2675520, MONDO:0012933, OMIM 612555. Disease mechanism: loss of function.
Hereditary breast ovarian cancer syndrome. Also called: Hereditary breast and ovarian cancer syndrome; BRCA1- and BRCA2-Associated Hereditary Breast and Ovarian Cancer; Hereditary breast and ovarian cancer syndrome (HBOC); Hereditary breast and/or ovarian cancer syndrome; Hereditary breast and ovarian cancer; Breast and ovarian cancer. Identifiers: Orphanet 145, MedGen C0677776, MeSH D061325, MONDO:0003582. Disease mechanism: loss of function.

Submissions (3):

Evidence-based Network for the Interpretation of Germline Mutant Alleles (ENIGMA)
Classification: Pathogenic for Breast-ovarian cancer, familial, susceptibility to, 2. Last evaluated: 2017-12-15. Review status: reviewed by expert panel. Criteria: ENIGMA BRCA1/2 Classification Criteria (2017-06-29). Collection method: curation. Allele origin: germline. Study: ENIGMA.
Comment: Variant allele predicted to encode a truncated non-functional protein.

Department of Medical Genetics, Oslo University Hospital
Classification: Pathogenic for Breast-ovarian cancer, familial, susceptibility to, 2. Last evaluated: 2015-07-01. Review status: criteria provided, single submitter. Criteria: ACMG Guidelines, 2015. Collection method: clinical testing. Allele origin: germline. Affected: yes. Observed: 2 variant alleles. Not counted in ClinVar's aggregate classification.

Research Molecular Genetics Laboratory, Women's College Hospital, University of Toronto
Classification: Pathogenic for Hereditary breast ovarian cancer syndrome. Last evaluated: 2014-01-31. Review status: no assertion criteria provided. Collection method: research. Allele origin: germline. Affected: yes. Study: The Canadian Open Genetics Repository (COGR). Not counted in ClinVar's aggregate classification.